The following is an entry in ClinVar:

ClinVar aggregate classification (germline): Likely benign. Review status: criteria provided, multiple submitters, no conflicts (2 of 4 stars). 3 submissions from 3 submitters: Likely benign (3). Last evaluated 2026-09-01.

Allele frequency attached by ClinVar (database versions not stated): ExAC 0.00004; gnomAD exomes 0.00004 and 0.00006; TOPMed 0.00008; gnomAD 0.00012 and 0.00013.
gnomAD v4.1: 80 of 1,614,070 alleles (0.005%); highest among the groups gnomAD compares: African/African-American, 0.008%; no homozygotes.

Submissions (3):

CeGaT Center for Human Genetics Tuebingen
Classification: Likely benign. Last evaluated: 2026-09-01. Review status: criteria provided, single submitter. Criteria: CeGaT Center For Human Genetics Tuebingen Variant Classification Criteria Version 2. Collection method: clinical testing. Allele origin: germline. Affected: yes. Observed: 5 variant alleles.
Comment: ARID1B: BP4, BP7

Labcorp Genetics (formerly Invitae), Labcorp
Classification: Likely benign. Last evaluated: 2025-08-23. Review status: criteria provided, single submitter. Criteria: Invitae Variant Classification Sherloc (09022015). Collection method: clinical testing. Allele origin: germline.

Blueprint Genetics
Classification: Likely benign. Last evaluated: 2024-03-18. Review status: criteria provided, single submitter. Criteria: ACMG Guidelines, 2015. Collection method: clinical testing. Allele origin: germline.

NM_001374828.1(ARID1B):c.6450G>A (p.Thr2150=)

Gene: ARID1B (AT-rich interaction domain 1B; plus strand). Cytogenetic location: 6q25.3.
Variant type: single nucleotide variant.
Coding change: c.6450G>A on transcript NM_001374828.1 (MANE Select); coding-DNA position 6450, G replaced by A.
Protein change: p.Thr2150=; no amino-acid change (threonine 2150 retained).
Molecular consequence: synonymous variant.
Genome position (GRCh38, 1-based): chr6:157,207,222, G>A. VCF-style: chr6-157207222-G-A. GRCh37 (hg19) VCF-style: chr6-157528356-G-A.
Other names: c.3951G>A, p.Thr1317= (NM_001363725.2); c.6330G>A, p.Thr2110= (NM_001371656.1, NM_001374820.1); c.6291G>A, p.Thr2097= (NM_017519.3).
Identifiers: ClinVar variation 1299057 (VCV001299057.40), dbSNP rs753595827, ClinGen allele CA4068024.